The following is an entry in ClinVar:

ClinVar aggregate classification (germline): Uncertain significance (1 of 4 stars; one submission).

Conditions:
Schneckenbecken dysplasia. Identifiers: Orphanet 3144, MedGen C0432194, MONDO:0010013, OMIM 269250.

Allele frequency attached by ClinVar (database versions not stated): TOPMed below 0.00001; ExAC 0.00002.
gnomAD v4.1: 3 of 1,613,964 alleles (0.00019%); highest among the groups gnomAD compares: African/African-American, 0.004%; no homozygotes.

Submission:

Labcorp Genetics (formerly Invitae), Labcorp
Classification: Uncertain significance for Schneckenbecken dysplasia. Last evaluated: 2022-04-19. Review status: criteria provided, single submitter. Criteria: Invitae Variant Classification Sherloc (09022015). Collection method: clinical testing. Allele origin: germline.
Comment: In summary, the available evidence is currently insufficient to determine the role of this variant in disease. Therefore, it has been classified as a Variant of Uncertain Significance. Algorithms developed to predict the effect of missense changes on protein structure and function output the following: SIFT: "Tolerated"; PolyPhen-2: "Benign"; Align-GVGD: "Class C0". The aspartic acid amino acid residue is found in multiple mammalian species, which suggests that this missense change does not adversely affect protein function. This variant has not been reported in the literature in individuals affected with SLC35D1-related conditions. This variant is present in population databases (rs773440701, gnomAD 0.02%). This sequence change replaces glutamic acid, which is acidic and polar, with aspartic acid, which is acidic and polar, at codon 246 of the SLC35D1 protein (p.Glu246Asp).

NM_015139.3(SLC35D1):c.738G>T (p.Glu246Asp)

Gene: SLC35D1 (solute carrier family 35 member D1; minus strand). Cytogenetic location: 1p31.3.
Variant type: single nucleotide variant.
Coding change: c.738G>T on transcript NM_015139.3 (MANE Select); coding-DNA position 738, G replaced by T.
Protein change: p.Glu246Asp; replaces glutamic acid 246 with aspartic acid.
Molecular consequence: missense variant.
Genome position (GRCh38, 1-based): chr1:67,021,594, C>A on the plus strand (G>T on the coding strand, the complement: SLC35D1 is on the minus strand). VCF-style: chr1-67021594-C-A. GRCh37 (hg19) VCF-style: chr1-67487277-C-A.
Other names: short protein forms E246D.
Identifiers: ClinVar variation 1903841 (VCV001903841.5), dbSNP rs773440701, ClinGen allele CA898897.